The following is an entry in ClinVar:

ClinVar aggregate classification (germline): Uncertain significance (1 of 4 stars; one submission).

Submission:

Ambry Genetics
Classification: Uncertain significance. Last evaluated: 2022-10-19. Review status: criteria provided, single submitter. Criteria: Ambry Variant Classification Scheme 2023. Collection method: clinical testing. Allele origin: germline.
Comment: The p.K660E variant (also known as c.1978A>G), located in coding exon 18 of the BUB1 gene, results from an A to G substitution at nucleotide position 1978. The lysine at codon 660 is replaced by glutamic acid, an amino acid with similar properties. This amino acid position is conserved. In addition, this alteration is predicted to be tolerated by in silico analysis. Since supporting evidence is limited at this time, the clinical significance of this alteration remains unclear.

NM_004336.5(BUB1):c.1978A>G (p.Lys660Glu)

Gene: BUB1 (BUB1 mitotic checkpoint serine/threonine kinase; minus strand). Cytogenetic location: 2q13.
Variant type: single nucleotide variant.
Coding change: c.1978A>G on transcript NM_004336.5 (MANE Select); coding-DNA position 1978, A replaced by G.
Protein change: p.Lys660Glu; replaces lysine 660 with glutamic acid.
Molecular consequence: missense variant.
Genome position (GRCh38, 1-based): chr2:110,650,771, T>C on the plus strand (A>G on the coding strand, the complement: BUB1 is on the minus strand). VCF-style: chr2-110650771-T-C. GRCh37 (hg19) VCF-style: chr2-111408348-T-C.
Other names: c.1918A>G, p.Lys640Glu (NM_001278616.2); c.1978A>G, p.Lys660Glu (NM_001278617.2); short protein forms K640E, K660E.
Identifiers: ClinVar variation 1783743 (VCV001783743.2), dbSNP rs1370139473, ClinGen allele CA348210162.